The following is an entry in ClinVar:

ClinVar aggregate classification (germline): Uncertain significance (1 of 4 stars; one submission).

Conditions:
Propionic acidemia (PROP). Also called: GLYCINEMIA, KETOTIC; HYPERGLYCINEMIA WITH KETOACIDOSIS AND LEUKOPENIA; KETOTIC HYPERGLYCINEMIA. Identifiers: Orphanet 35, MedGen C0268579, MONDO:0011628, OMIM 606054, HP:0003571.

Allele frequency attached by ClinVar (database versions not stated): gnomAD exomes below 0.00001.

Submission:

Labcorp Genetics (formerly Invitae), Labcorp
Classification: Uncertain significance for Propionic acidemia. Last evaluated: 2023-09-06. Review status: criteria provided, single submitter. Criteria: Invitae Variant Classification Sherloc (09022015). Collection method: clinical testing. Allele origin: germline.
Comment: This variant has not been reported in the literature in individuals affected with PCCB-related conditions. This sequence change replaces isoleucine, which is neutral and non-polar, with methionine, which is neutral and non-polar, at codon 319 of the PCCB protein (p.Ile319Met). This variant is present in population databases (no rsID available, gnomAD 0.0009%). ClinVar contains an entry for this variant (Variation ID: 1450500). Advanced modeling of protein sequence and biophysical properties (such as structural, functional, and spatial information, amino acid conservation, physicochemical variation, residue mobility, and thermodynamic stability) has been performed at Invitae for this missense variant, however the output from this modeling did not meet the statistical confidence thresholds required to predict the impact of this variant on PCCB protein function. In summary, the available evidence is currently insufficient to determine the role of this variant in disease. Therefore, it has been classified as a Variant of Uncertain Significance.

NM_000532.5(PCCB):c.957C>G (p.Ile319Met)

Gene: PCCB (propionyl-CoA carboxylase subunit beta; plus strand). Cytogenetic location: 3q22.3.
Variant type: single nucleotide variant.
Coding change: c.957C>G on transcript NM_000532.5 (MANE Select); coding-DNA position 957, C replaced by G.
Protein change: p.Ile319Met; replaces isoleucine 319 with methionine.
Molecular consequence: missense variant.
Genome position (GRCh38, 1-based): chr3:136,301,102, C>G. VCF-style: chr3-136301102-C-G. GRCh37 (hg19) VCF-style: chr3-136019944-C-G.
Other names: c.1017C>G, p.Ile339Met (NM_001178014.2); short protein forms I339M, I319M.
Identifiers: ClinVar variation 1450500 (VCV001450500.6), dbSNP rs868483670, ClinGen allele CA354645740.
Genomic context (GRCh38, chr3:136,301,102, plus strand): 5'-TCCTGAGCTTGACACAATTGTCCCTTTGGAATCAACCAAAGCCTACAACATGGTGGACAT[C>G]ATACACTCTGTAAGTGCCACATCTGTTTGTCTTGCCTGTCCTAGTCAGCCACATTCATGG-3'
Protein context (NP_000523.2, residues 309-329): ESTKAYNMVD[Ile319Met]IHSVVDEREF